The following is an entry in ClinVar:

NM_000051.4(ATM):c.14_21del (p.Leu5fs)

Gene: ATM (ATM serine/threonine kinase; plus strand). Cytogenetic location: 11q22.3.
Variant type: Deletion.
Coding change: c.14_21del on transcript NM_000051.4 (MANE Select); coding-DNA positions 14 to 21, 8 bases deleted (TTAATGAT; older notation c.14_21delTTAATGAT).
Protein change: p.Leu5fs; shifts the reading frame from leucine 5.
Molecular consequence: frameshift variant.
Genome position (GRCh38, 1-based): chr11:108,227,638-108,227,645, TTAATGAT deleted. VCF-style (leftmost placement, unchanged base first): chr11-108227637-CTTAATGAT-C. GRCh37 (hg19) VCF-style: chr11-108098364-CTTAATGAT-C.
Other names: c.14_21del, p.Leu5fs (NM_001351834.2, NM_001351835.2, NM_001351836.2); short protein forms L5fs.
Identifiers: ClinVar variation 1771775 (VCV001771775.2), dbSNP rs2496887636, ClinGen allele CA2580082967.

ClinVar aggregate classification (germline): Pathogenic (1 of 4 stars; one submission).

Conditions:
Hereditary cancer-predisposing syndrome. Also called: Hereditary Cancer Syndrome; Hereditary neoplastic syndrome; Neoplastic Syndromes, Hereditary; Tumor predisposition. Identifiers: Orphanet 140162, MedGen C0027672, MeSH D009386, MONDO:0015356.

Submission:

Ambry Genetics
Classification: Pathogenic for Hereditary cancer-predisposing syndrome. Last evaluated: 2022-05-24. Review status: criteria provided, single submitter. Criteria: Ambry Variant Classification Scheme 2023. Collection method: clinical testing. Allele origin: germline.
Comment: The c.14_21delTTAATGAT variant, located in coding exon 1 of the ATM gene, results from a deletion of 8 nucleotides at nucleotide positions 14 to 21, causing a translational frameshift with a predicted alternate stop codon (p.L5Pfs*11). This alteration is expected to result in loss of function by premature protein truncation or nonsense-mediated mRNA decay. As such, this alteration is interpreted as a disease-causing mutation.